The following is an entry in ClinVar:

ClinVar aggregate classification (germline): Uncertain significance (1 of 4 stars; one submission).

Allele frequency attached by ClinVar (database versions not stated): ExAC 0.00001.

Submission:

Labcorp Genetics (formerly Invitae), Labcorp
Classification: Uncertain significance. Last evaluated: 2023-12-10. Review status: criteria provided, single submitter. Criteria: Invitae Variant Classification Sherloc (09022015). Collection method: clinical testing. Allele origin: germline.
Comment: This sequence change replaces serine, which is neutral and polar, with asparagine, which is neutral and polar, at codon 74 of the C17orf62 protein (p.Ser74Asn). This variant is not present in population databases (gnomAD no frequency). This variant has not been reported in the literature in individuals affected with C17orf62-related conditions. Algorithms developed to predict the effect of missense changes on protein structure and function output the following: SIFT: "Not Available"; PolyPhen-2: "Benign"; Align-GVGD: "Not Available". The asparagine amino acid residue is found in multiple mammalian species, which suggests that this missense change does not adversely affect protein function. In summary, the available evidence is currently insufficient to determine the role of this variant in disease. Therefore, it has been classified as a Variant of Uncertain Significance.

NM_001033046.4(CYBC1):c.221G>A (p.Ser74Asn)

Gene: CYBC1 (cytochrome b-245 chaperone 1; minus strand). Cytogenetic location: 17q25.3.
Variant type: single nucleotide variant.
Coding change: c.221G>A on transcript NM_001033046.4 (MANE Select); coding-DNA position 221, G replaced by A.
Protein change: p.Ser74Asn; replaces serine 74 with asparagine.
Molecular consequence: missense variant. On other transcripts: non-coding transcript variant (4).
Genome position (GRCh38, 1-based): chr17:82,445,941, C>T on the plus strand (G>A on the coding strand, the complement: CYBC1 is on the minus strand). VCF-style: chr17-82445941-C-T. GRCh37 (hg19) VCF-style: chr17-80403817-C-T.
Other names: c.221G>A, p.Ser74Asn (NM_001100407.3, NM_001193653.2, NM_001193654.2 and 2 more transcripts); c.179G>A, p.Ser60Asn (NM_001100408.3); short protein forms S60N, S74N.
Identifiers: ClinVar variation 2964550 (VCV002964550.3), dbSNP rs773011884, ClinGen allele CA8858297.
Genomic context (GRCh38, chr17:82,445,941, plus strand): 5'-CTGAAAAGAGTCAGCAGCTTCTTGTAGAGGCTGAACGTCTTCAAAACAACCTTCCCTGTG[C>T]TCTTGTCGAAGATGGCTTCCTGGAAACCGACATGCACTGACCACCATGAACCTCCAGGAA-3'
Protein context (NP_001028218.1, residues 64-84): EDWEEAIFDK[Ser74Asn]TGKVVLKTFS